The following is an entry in ClinVar:

ClinVar aggregate classification (germline): Uncertain significance (1 of 4 stars; one submission).

Conditions:
Cardiomyopathy (CMYO). Also called: Cardiomyopathies. Identifiers: Orphanet 167848, MedGen C0878544, MONDO:0004994, HP:0001638. Inheritance: Various modes of inheritance.

Submission:

Color Diagnostics, LLC DBA Color Health
Classification: Uncertain significance for Cardiomyopathy. Last evaluated: 2024-03-06. Review status: criteria provided, single submitter. Criteria: ACMG Guidelines, 2015. Collection method: clinical testing. Allele origin: germline.
Comment: This missense variant replaces leucine with proline at codon 1630 of the RYR2 protein. Computational prediction tool suggests that this variant may have deleterious impact on protein structure and function (internally defined REVEL score threshold >=0.7, PMID: 27666373). Splice site prediction tools suggest that this variant may not impact RNA splicing. To our knowledge, functional studies have not been performed for this variant. This variant has not been reported in individuals affected with cardiovascular disorders in the literature. This variant has not been identified in the general population by the Genome Aggregation Database (gnomAD). The available evidence is insufficient to determine the role of this variant in disease conclusively. Therefore, this variant is classified as a Variant of Uncertain Significance.

NM_001035.3(RYR2):c.4889T>C (p.Leu1630Pro)

Gene: RYR2 (ryanodine receptor 2; plus strand). Cytogenetic location: 1q43.
Variant type: single nucleotide variant.
Coding change: c.4889T>C on transcript NM_001035.3 (MANE Select); coding-DNA position 4889, T replaced by C.
Protein change: p.Leu1630Pro; replaces leucine 1630 with proline.
Molecular consequence: missense variant.
Genome position (GRCh38, 1-based): chr1:237,610,967, T>C. VCF-style: chr1-237610967-T-C. GRCh37 (hg19) VCF-style: chr1-237774267-T-C.
Other names: short protein forms L1630P.
Identifiers: ClinVar variation 920927 (VCV000920927.4), dbSNP rs1677791612, ClinGen allele CA345402850.
Genomic context (GRCh38, chr1:237,610,967, plus strand): 5'-GAATAAGTGAACGCCAAGGCTGGTTGGTGCAGTGTTTGGATCCTCTGCAGTTCATGTCTC[T>C]TCATATCCCTGAGGAAAACAGGTCAGCCCCAGTGAATCCCTGACATTCTGATTGGGACGC-3'
Protein context (NP_001026.2, residues 1620-1640): QCLDPLQFMS[Leu1630Pro]HIPEENRSVD